The following is an entry in ClinVar:

NM_000095.3(COMP):c.1156A>G (p.Asn386Asp)

Gene: COMP (cartilage oligomeric matrix protein; minus strand). Cytogenetic location: 19p13.11.
Variant type: single nucleotide variant.
Coding change: c.1156A>G on transcript NM_000095.3 (MANE Select); coding-DNA position 1156, A replaced by G.
Protein change: p.Asn386Asp; replaces asparagine 386 with aspartic acid.
Molecular consequence: missense variant.
Genome position (GRCh38, 1-based): chr19:18,786,630, T>C on the plus strand (A>G on the coding strand, the complement: COMP is on the minus strand). VCF-style: chr19-18786630-T-C. GRCh37 (hg19) VCF-style: chr19-18897440-T-C.
Other names: short protein forms N386D.
Identifiers: ClinVar variation 40987 (VCV000040987.25), dbSNP rs61739916, ClinGen allele CA343851.
Genomic context (GRCh38, chr19:18,786,630, plus strand): 5'-CATCCCCTATACCATCGCCATCACTGTCCTTCTGGTCTGAGTTGGGTACCCTAGGGCAGT[T>C]GTCGGCCTGGTTGCGGATCCCTGCAGAAATCCACGGGACCAGAGCCCCAAGATTGGGACC-3'
Protein context (NP_000086.2, residues 376-396): DGDRIRNQAD[Asn386Asp]CPRVPNSDQK

ClinVar aggregate classification (germline): Benign/Likely benign. Review status: criteria provided, multiple submitters, no conflicts (2 of 4 stars). 9 submissions from 8 submitters: Benign (7); Likely benign (1). 1 of the submissions does not count toward it. Last evaluated 2026-05-09.

Conditions:
Connective tissue disorder. Also called: Connective tissue disease. Identifiers: MedGen C0009782, MONDO:0003900.
Multiple epiphyseal dysplasia type 1. Also called: COMP-Related Multiple Epiphyseal Dysplasia. Identifiers: Orphanet 93308, MedGen C1838280, MONDO:0007561, OMIM 132400.
Pseudoachondroplastic spondyloepiphyseal dysplasia syndrome (PSACH). Also called: PSEUDOACHONDROPLASTIC DYSPLASIA; Pseudoachondroplasia; COMP-Related Pseudoachondroplasia. Identifiers: Orphanet 750, MedGen C0410538, MONDO:0008322, OMIM 177170.

Allele frequency attached by ClinVar (database versions not stated): 1000 Genomes Project 0.02097; 1000 Genomes Project 30x 0.02124; TOPMed 0.03055; gnomAD 0.03133 and 0.03160; gnomAD exomes 0.03294 and 0.04589; ExAC 0.03382; ESP Exome Variant Server 0.03591.
gnomAD v4.1: 71,729 of 1,613,698 alleles (4.4%); highest among the groups gnomAD compares: Non-Finnish European, 5.2%; 1,810 homozygotes.

Submissions (9):

Women's Health and Genetics/Laboratory Corporation of America, LabCorp
Classification: Likely benign. Last evaluated: 2026-05-09. Review status: criteria provided, single submitter. Criteria: LabCorp Variant Classification Summary - May 2015. Collection method: clinical testing. Allele origin: germline.

Labcorp Genetics (formerly Invitae), Labcorp
Classification: Benign. Last evaluated: 2026-02-01. Review status: criteria provided, single submitter. Criteria: Invitae Variant Classification Sherloc (09022015). Collection method: clinical testing. Allele origin: germline.

Genome Diagnostics Laboratory, The Hospital for Sick Children
Classification: Benign for Connective tissue disorder. Last evaluated: 2022-04-23. Review status: criteria provided, single submitter. Criteria: ACMG Guidelines, 2015. Collection method: clinical testing. Allele origin: germline.

Illumina Laboratory Services, Illumina
Classification: Benign for Pseudoachondroplastic spondyloepiphyseal dysplasia syndrome. Last evaluated: 2018-01-12. Review status: criteria provided, single submitter. Criteria: ICSL Variant Classification Criteria 13 December 2019. Collection method: clinical testing. Allele origin: germline.
Comment: This variant was observed in the ICSL laboratory as part of a predisposition screen in an ostensibly healthy population. It had not been previously curated by ICSL or reported in the Human Gene Mutation Database (HGMD: prior to June 1st, 2018), and was therefore a candidate for classification through an automated scoring system. Utilizing variant allele frequency, disease prevalence and penetrance estimates, and inheritance mode, an automated score was calculated to assess if this variant is too frequent to cause the disease. Based on the score and internal cut-off values, a variant classified as benign is not then subjected to further curation. The score for this variant resulted in a classification of benign for this disease.

Illumina Laboratory Services, Illumina
Classification: Benign for Multiple epiphyseal dysplasia type 1. Last evaluated: 2018-01-12. Review status: criteria provided, single submitter. Criteria: ICSL Variant Classification Criteria 13 December 2019. Collection method: clinical testing. Allele origin: germline.
Comment: the same text as in the submission from Illumina Laboratory Services, Illumina above.

GeneDx
Classification: Benign. Last evaluated: 2015-03-03. Review status: criteria provided, single submitter. Criteria: GeneDx Variant Classification Process June 2021. Collection method: clinical testing. Allele origin: germline. Affected: yes.

Breakthrough Genomics
Classification: Benign. Review status: criteria provided, single submitter. Criteria: ACMG Guidelines, 2015. Collection method: not provided. Allele origin: germline. Inheritance: Autosomal dominant inheritance. Affected: yes.

PreventionGenetics, part of Exact Sciences
Classification: Benign. Review status: criteria provided, single submitter. Criteria: ACMG Guidelines, 2015. Collection method: clinical testing. Allele origin: germline.

GeneReviews
No classification provided. Condition: Pseudoachondroplastic spondyloepiphyseal dysplasia syndrome. Review status: no classification provided. Collection method: literature only. Allele origin: germline. Not counted in ClinVar's aggregate classification.